The following is an entry in ClinVar:

NM_145038.5(DRC1):c.686T>C (p.Phe229Ser)

Gene: DRC1 (dynein regulatory complex subunit 1; plus strand). Cytogenetic location: 2p23.3.
Variant type: single nucleotide variant.
Coding change: c.686T>C on transcript NM_145038.5 (MANE Select); coding-DNA position 686, T replaced by C.
Protein change: p.Phe229Ser; replaces phenylalanine 229 with serine.
Molecular consequence: missense variant.
Genome position (GRCh38, 1-based): chr2:26,430,793, T>C. VCF-style: chr2-26430793-T-C. GRCh37 (hg19) VCF-style: chr2-26653661-T-C.
Other names: short protein forms F229S.
Identifiers: ClinVar variation 1494597 (VCV001494597.8), dbSNP rs2147991541, ClinGen allele CA346102383.
Genomic context (GRCh38, chr2:26,430,793, plus strand): 5'-GGGACCTGCCCAATCAAAACAGATGCAAGAGTGTTTTTCCTTCTTGGTCGTAGAAAGCAT[T>C]TGAGGTGGAACGCCAAGAGCTACTGGCCAGTAATAAGAAGAAATGGGAGCAAGCCCTTCA-3'
Protein context (NP_659475.2, residues 219-239): REELYNIEKA[Phe229Ser]EVERQELLAS

ClinVar aggregate classification (germline): Uncertain significance (1 of 4 stars; one submission).

Conditions:
Primary ciliary dyskinesia. Also called: Ciliary dyskinesia. Identifiers: Orphanet 244, MedGen C0008780, MONDO:0016575, HP:0012265.

Submission:

Labcorp Genetics (formerly Invitae), Labcorp
Classification: Uncertain significance for Primary ciliary dyskinesia. Last evaluated: 2022-08-15. Review status: criteria provided, single submitter. Criteria: Invitae Variant Classification Sherloc (09022015). Collection method: clinical testing. Allele origin: germline.
Comment: In summary, the available evidence is currently insufficient to determine the role of this variant in disease. Therefore, it has been classified as a Variant of Uncertain Significance. Algorithms developed to predict the effect of sequence changes on RNA splicing suggest that this variant may create or strengthen a splice site. Algorithms developed to predict the effect of missense changes on protein structure and function are either unavailable or do not agree on the potential impact of this missense change (SIFT: "Tolerated"; PolyPhen-2: "Probably Damaging"; Align-GVGD: "Class C0"). ClinVar contains an entry for this variant (Variation ID: 1494597). This variant has not been reported in the literature in individuals affected with DRC1-related conditions. This variant is not present in population databases (gnomAD no frequency). This sequence change replaces phenylalanine, which is neutral and non-polar, with serine, which is neutral and polar, at codon 229 of the DRC1 protein (p.Phe229Ser).